The following is an entry in ClinVar:

ClinVar aggregate classification (germline): Uncertain significance (1 of 4 stars; one submission).

Allele frequency attached by ClinVar (database versions not stated): gnomAD exomes below 0.00001; TOPMed below 0.00001.
gnomAD v4.1: 3 of 1,614,182 alleles (0.00019%); highest among the groups gnomAD compares: Non-Finnish European, 0.00025%; no homozygotes.

Submission:

Labcorp Genetics (formerly Invitae), Labcorp
Classification: Uncertain significance. Last evaluated: 2022-10-18. Review status: criteria provided, single submitter. Criteria: Invitae Variant Classification Sherloc (09022015). Collection method: clinical testing. Allele origin: germline.
Comment: This variant is not present in population databases (gnomAD no frequency). This sequence change replaces arginine, which is basic and polar, with cysteine, which is neutral and slightly polar, at codon 381 of the HK1 protein (p.Arg381Cys). This variant has not been reported in the literature in individuals affected with HK1-related conditions. In summary, the available evidence is currently insufficient to determine the role of this variant in disease. Therefore, it has been classified as a Variant of Uncertain Significance. Advanced modeling of protein sequence and biophysical properties (such as structural, functional, and spatial information, amino acid conservation, physicochemical variation, residue mobility, and thermodynamic stability) performed at Invitae indicates that this missense variant is expected to disrupt HK1 protein function.

NM_000188.3(HK1):c.1141C>T (p.Arg381Cys)

Gene: HK1 (hexokinase 1; plus strand). Cytogenetic location: 10q22.1.
Variant type: single nucleotide variant.
Coding change: c.1141C>T on transcript NM_000188.3 (MANE Select); coding-DNA position 1141, C replaced by T.
Protein change: p.Arg381Cys; replaces arginine 381 with cysteine.
Molecular consequence: missense variant.
Genome position (GRCh38, 1-based): chr10:69,379,971, C>T. VCF-style: chr10-69379971-C-T. GRCh37 (hg19) VCF-style: chr10-71139727-C-T.
Other names: c.1153C>T, p.Arg385Cys (NM_001322364.2, NM_001358263.1, NM_033497.3 and 1 more transcripts); c.1246C>T, p.Arg416Cys (NM_001322365.2); c.1057C>T, p.Arg353Cys (NM_001322366.1); c.1045C>T, p.Arg349Cys (NM_001322367.1); c.1138C>T, p.Arg380Cys (NM_033496.3); c.1105C>T, p.Arg369Cys (NM_033500.2); short protein forms R349C, R353C, R369C, R380C, R381C, R385C, R416C.
Identifiers: ClinVar variation 1719928 (VCV001719928.5), dbSNP rs866693507, ClinGen allele CA209246747.